The following is an entry in ClinVar:

ClinVar aggregate classification (germline): Benign/Likely benign. Review status: criteria provided, multiple submitters, no conflicts (2 of 4 stars). 7 submissions from 7 submitters: Benign (2); Likely benign (4). 1 of the submissions does not count toward it. Last evaluated 2026-08-01.

Conditions:
CYP2U1-related disorder. Also called: CYP2U1-related condition.
Spastic paraplegia. Identifiers: MedGen C0037772, HP:0001258.
Hereditary spastic paraplegia. Also called: Familial spastic paraparesis. Identifiers: Orphanet 685, MedGen C0037773, MONDO:0019064. Disease mechanism: loss of function.

Allele frequency attached by ClinVar (database versions not stated): 1000 Genomes Project 30x 0.00109; 1000 Genomes Project 0.00120; gnomAD 0.00210 and 0.00214; TOPMed 0.00237; ExAC 0.00240; gnomAD exomes 0.00248 and 0.00297; ESP Exome Variant Server 0.00284.
gnomAD v4.1: 4,627 of 1,614,088 alleles (0.29%); highest among the groups gnomAD compares: Non-Finnish European, 0.35%; 5 homozygotes.

Submissions (7):

CeGaT Center for Human Genetics Tuebingen
Classification: Likely benign. Last evaluated: 2026-08-01. Review status: criteria provided, single submitter. Criteria: CeGaT Center For Human Genetics Tuebingen Variant Classification Criteria Version 2. Collection method: clinical testing. Allele origin: germline. Affected: yes. Observed: 21 variant alleles.
Comment: CYP2U1: BP4, BS2

Labcorp Genetics (formerly Invitae), Labcorp
Classification: Benign for Spastic paraplegia. Last evaluated: 2026-01-26. Review status: criteria provided, single submitter. Criteria: Invitae Variant Classification Sherloc (09022015). Collection method: clinical testing. Allele origin: germline.

Blueprint Genetics
Classification: Likely benign. Last evaluated: 2024-11-26. Review status: criteria provided, single submitter. Criteria: ACMG Guidelines, 2015. Collection method: clinical testing. Allele origin: germline.

Mayo Clinic Laboratories, Mayo Clinic
Classification: Benign. Last evaluated: 2021-08-31. Review status: criteria provided, single submitter. Criteria: ACMG Guidelines, 2015. Collection method: clinical testing. Allele origin: germline. Observed: 12 variant alleles.

Genome Diagnostics Laboratory, The Hospital for Sick Children
Classification: Likely benign for Hereditary spastic paraplegia. Last evaluated: 2021-08-16. Review status: criteria provided, single submitter. Criteria: ACMG Guidelines, 2015. Collection method: clinical testing. Allele origin: germline. Affected: yes.

GeneDx
Classification: Likely benign. Last evaluated: 2020-12-11. Review status: criteria provided, single submitter. Criteria: GeneDx Variant Classification Process June 2021. Collection method: clinical testing. Allele origin: germline. Affected: yes.
Comment: This variant is associated with the following publications: (PMID: 29034544, 30564185, 32006740)

PreventionGenetics, part of Exact Sciences
Classification: Likely benign for CYP2U1-related condition. Last evaluated: 2023-05-02. Review status: no assertion criteria provided. Collection method: clinical testing. Allele origin: germline. Not counted in ClinVar's aggregate classification.
Comment: This variant is classified as likely benign based on ACMG/AMP sequence variant interpretation guidelines (Richards et al. 2015 PMID: 25741868, with internal and published modifications).

NM_183075.3(CYP2U1):c.1151G>T (p.Arg384Ile)

Gene: CYP2U1 (cytochrome P450 family 2 subfamily U member 1; plus strand). Cytogenetic location: 4q25.
Variant type: single nucleotide variant.
Coding change: c.1151G>T on transcript NM_183075.3 (MANE Select); coding-DNA position 1151, G replaced by T.
Protein change: p.Arg384Ile; replaces arginine 384 with isoleucine.
Molecular consequence: missense variant.
Genome position (GRCh38, 1-based): chr4:107,947,400, G>T. VCF-style: chr4-107947400-G-T. GRCh37 (hg19) VCF-style: chr4-108868556-G-T.
Other names: p.Arg384Ile; short protein forms R384I.
Identifiers: ClinVar variation 458307 (VCV000458307.42), dbSNP rs142676629, ClinGen allele CA3037135.